The following is an entry in ClinVar:

NM_004870.4(MPDU1):c.618+14C>T

Gene: MPDU1 (mannose-P-dolichol utilization defect 1; plus strand). Cytogenetic location: 17p13.1.
Variant type: single nucleotide variant.
Coding change: c.618+14C>T on transcript NM_004870.4 (MANE Select); 14 bases into the intron after coding-DNA position 618, C replaced by T.
Molecular consequence: intron variant.
Genome position (GRCh38, 1-based): chr17:7,587,285, C>T. VCF-style: chr17-7587285-C-T. GRCh37 (hg19) VCF-style: chr17-7490603-C-T.
Other names: c.560+14C>T (NM_001330073.1).
Identifiers: ClinVar variation 387361 (VCV000387361.15), dbSNP rs11078699, ClinGen allele CA8353010.

ClinVar aggregate classification (germline): Conflicting classifications of pathogenicity. Review status: criteria provided, conflicting classifications (1 of 4 stars). 3 submissions from 3 submitters: Uncertain significance (1); Benign (1); Likely benign (1). Last evaluated 2025-10-16.

Conditions:
MPDU1-congenital disorder of glycosylation. Also called: MPDU1-CDG; CONGENITAL DISORDER OF GLYCOSYLATION, TYPE If; CDG If. Identifiers: Orphanet 79323, MedGen C1836669, MONDO:0012211, OMIM 609180.

Allele frequency attached by ClinVar (database versions not stated): gnomAD exomes 0.00033 and 0.00084; ExAC 0.00111; 1000 Genomes Project 0.00280; 1000 Genomes Project 30x 0.00328; ESP Exome Variant Server 0.00338; gnomAD 0.00371 and 0.00407; TOPMed 0.00394.
gnomAD v4.1: 1,068 of 1,613,486 alleles (0.066%); highest among the groups gnomAD compares: African/African-American, 1.3%; 9 homozygotes.

Submissions (3):

Labcorp Genetics (formerly Invitae), Labcorp
Classification: Benign for MPDU1-congenital disorder of glycosylation. Last evaluated: 2025-10-16. Review status: criteria provided, single submitter. Criteria: Invitae Variant Classification Sherloc (09022015). Collection method: clinical testing. Allele origin: germline.

GeneDx
Classification: Likely benign. Last evaluated: 2018-04-17. Review status: criteria provided, single submitter. Criteria: GeneDx Variant Classification Process June 2021. Collection method: clinical testing. Allele origin: germline. Affected: yes.
Comment: This variant is associated with the following publications: (PMID: 23806237)

Illumina Laboratory Services, Illumina
Classification: Uncertain significance for MPDU1-congenital disorder of glycosylation. Last evaluated: 2017-04-27. Review status: criteria provided, single submitter. Criteria: ICSL Variant Classification Criteria 13 December 2019. Collection method: clinical testing. Allele origin: germline.